The following is an entry in ClinVar:

NM_199355.4(ADAMTS18):c.3015G>A (p.Lys1005=)

Gene: ADAMTS18 (ADAM metallopeptidase with thrombospondin type 1 motif 18; minus strand). Cytogenetic location: 16q23.1.
Variant type: single nucleotide variant.
Coding change: c.3015G>A on transcript NM_199355.4 (MANE Select); coding-DNA position 3015, G replaced by A.
Protein change: p.Lys1005=; no amino-acid change (lysine 1005 retained).
Molecular consequence: synonymous variant.
Genome position (GRCh38, 1-based): chr16:77,293,250, C>T on the plus strand (G>A on the coding strand, the complement: ADAMTS18 is on the minus strand). VCF-style: chr16-77293250-C-T. GRCh37 (hg19) VCF-style: chr16-77327147-C-T.
Other names: c.2499G>A, p.Lys833= (NM_001326358.2).
Identifiers: ClinVar variation 2646885 (VCV002646885.24), dbSNP rs2543581069, ClinGen allele CA496591297.

ClinVar aggregate classification (germline): Uncertain significance (1 of 4 stars; one submission).

Submission:

CeGaT Center for Human Genetics Tuebingen
Classification: Uncertain significance. Last evaluated: 2022-12-01. Review status: criteria provided, single submitter. Criteria: CeGaT Center For Human Genetics Tuebingen Variant Classification Criteria Version 2. Collection method: clinical testing. Allele origin: germline. Affected: yes. Observed: 1 variant allele.
Comment: ADAMTS18: PM2:Supporting, BP4